The following is an entry in ClinVar:

NM_000388.4(CASR):c.1733-13G>A

Gene: CASR (calcium sensing receptor; plus strand). Cytogenetic location: 3q21.1.
Variant type: single nucleotide variant.
Coding change: c.1733-13G>A on transcript NM_000388.4 (MANE Select); 13 bases into the intron before coding-DNA position 1733, G replaced by A.
Molecular consequence: intron variant.
Genome position (GRCh38, 1-based): chr3:122,283,674, G>A. VCF-style: chr3-122283674-G-A. GRCh37 (hg19) VCF-style: chr3-122002521-G-A.
Other names: c.1763-13G>A (NM_001178065.2).
Identifiers: ClinVar variation 2033637 (VCV002033637.4), dbSNP rs568934388, ClinGen allele CA1397870781.

ClinVar aggregate classification (germline): Uncertain significance (1 of 4 stars; one submission).

Conditions:
Familial hypocalciuric hypercalcemia (FHH). Also called: Familial benign hypercalcemia. Identifiers: Orphanet 405, MedGen C1809471, MONDO:0018458.
Autosomal dominant hypocalcemia 1 (HYPOC1). Also called: HYPOCALCEMIA, FAMILIAL. Identifiers: MedGen C3715128, MONDO:0011013, OMIM 601198.

gnomAD v4.1: 2 of 1,611,774 alleles (0.00012%); highest among the groups gnomAD compares: Non-Finnish European, 0.00017%; no homozygotes.

Submission:

Labcorp Genetics (formerly Invitae), Labcorp
Classification: Uncertain significance for Familial hypocalciuric hypercalcemia; Autosomal dominant hypocalcemia 1. Last evaluated: 2022-10-01. Review status: criteria provided, single submitter. Criteria: Invitae Variant Classification Sherloc (09022015). Collection method: clinical testing. Allele origin: germline.
Comment: In summary, the available evidence is currently insufficient to determine the role of this variant in disease. Therefore, it has been classified as a Variant of Uncertain Significance. Algorithms developed to predict the effect of sequence changes on RNA splicing suggest that this variant may disrupt the consensus splice site. This variant has not been reported in the literature in individuals affected with CASR-related conditions. This variant is not present in population databases (gnomAD no frequency). This sequence change falls in intron 6 of the CASR gene. It does not directly change the encoded amino acid sequence of the CASR protein.